The following is an entry in ClinVar:

ClinVar aggregate classification (germline): Benign/Likely benign. Review status: criteria provided, multiple submitters, no conflicts (2 of 4 stars). 3 submissions from 3 submitters: Benign (1); Likely benign (1). 1 of the submissions does not count toward it. Last evaluated 2024-11-05.

Conditions:
DHX34-related disorder. Also called: DHX34-related condition.

Allele frequency attached by ClinVar (database versions not stated): gnomAD exomes 0.00081 and 0.00099; ExAC 0.00086; 1000 Genomes Project 0.00140; 1000 Genomes Project 30x 0.00156; gnomAD 0.00206 and 0.00225; TOPMed 0.00247; ESP Exome Variant Server 0.00261.
gnomAD v4.1: 1,804 of 1,614,154 alleles (0.11%); highest among the groups gnomAD compares: African/African-American, 0.62%; 4 homozygotes.

Submissions (3):

Blueprint Genetics
Classification: Likely benign. Last evaluated: 2024-11-05. Review status: criteria provided, single submitter. Criteria: ACMG Guidelines, 2015. Collection method: clinical testing. Allele origin: germline.

Labcorp Genetics (formerly Invitae), Labcorp
Classification: Benign. Last evaluated: 2018-06-19. Review status: criteria provided, single submitter. Criteria: Invitae Variant Classification Sherloc (09022015). Collection method: clinical testing. Allele origin: germline.

PreventionGenetics, part of Exact Sciences
Classification: Likely benign for DHX34-related condition. Last evaluated: 2019-12-09. Review status: no assertion criteria provided. Collection method: clinical testing. Allele origin: germline. Not counted in ClinVar's aggregate classification.
Comment: This variant is classified as likely benign based on ACMG/AMP sequence variant interpretation guidelines (Richards et al. 2015 PMID: 25741868, with internal and published modifications).

NM_014681.6(DHX34):c.249T>C (p.Pro83=)

Gene: DHX34 (DExH-box helicase 34; plus strand). Cytogenetic location: 19q13.32.
Variant type: single nucleotide variant.
Coding change: c.249T>C on transcript NM_014681.6 (MANE Select); coding-DNA position 249, T replaced by C.
Protein change: p.Pro83=; no amino-acid change (proline 83 retained).
Molecular consequence: synonymous variant.
Genome position (GRCh38, 1-based): chr19:47,353,279, T>C. VCF-style: chr19-47353279-T-C. GRCh37 (hg19) VCF-style: chr19-47856536-T-C.
Identifiers: ClinVar variation 721876 (VCV000721876.6), dbSNP rs146840425, ClinGen allele CA9537698.